The following is an entry in ClinVar:

NM_022173.4(TIA1):c.879del (p.Val294fs)

Gene: TIA1 (TIA1 cytotoxic granule associated RNA binding protein; minus strand). Cytogenetic location: 2p13.3.
Variant type: Deletion.
Coding change: c.879del on transcript NM_022173.4 (MANE Select); coding-DNA position 879, one base deleted (C; older notation c.879delC).
Protein change: p.Val294fs; shifts the reading frame from valine 294.
Molecular consequence: frameshift variant. On other transcripts: non-coding transcript variant (17).
Genome position (GRCh38, 1-based): chr2:70,215,380, G deleted on the plus strand (C on the coding strand, the reverse complement: TIA1 is on the minus strand); the first of 3 consecutive G bases (chr2:70,215,380-70,215,382); deleting any one gives the same sequence. VCF-style (leftmost placement, unchanged base first): chr2-70215379-CG-C. GRCh37 (hg19) VCF-style: chr2-70442511-CG-C.
Other names: c.879del, p.Val294fs (NM_001351508.2); c.852del, p.Val285fs (NM_001351509.2); c.846del, p.Val283fs (NM_001351510.2, NM_022037.4); c.768del, p.Val257fs (NM_001351511.1); c.741del, p.Val248fs (NM_001351512.1); c.735del, p.Val246fs (NM_001351513.1); c.651del, p.Val218fs (NM_001351514.2); c.576del, p.Val193fs (NM_001351515.2); and 1 more; short protein forms V154fs, V193fs, V218fs, V246fs, V248fs, V257fs, V283fs, V285fs.
Identifiers: ClinVar variation 2437089 (VCV002437089.5), dbSNP rs2466510144, ClinGen allele CA2580067725.

ClinVar aggregate classification (germline): Uncertain significance. Review status: criteria provided, multiple submitters, no conflicts (2 of 4 stars). 2 submissions from 2 submitters: Uncertain significance (2). Last evaluated 2024-05-29.

Conditions:
Welander distal myopathy (WDM). Also called: Gower's muscular dystrophy; MUSCULAR DYSTROPHY, DISTAL, LATE-ONSET, AUTOSOMAL DOMINANT; Welander distal myopathy, Swedish type; Distal myopathy, Swedish type. Identifiers: Orphanet 603, MedGen C0221054, MONDO:0011466, OMIM 604454.

Submissions (2):

Labcorp Genetics (formerly Invitae), Labcorp
Classification: Uncertain significance for Welander distal myopathy. Last evaluated: 2024-05-29. Review status: criteria provided, single submitter. Criteria: Invitae Variant Classification Sherloc (09022015). Collection method: clinical testing. Allele origin: germline.
Comment: This sequence change results in a frameshift in the TIA1 gene (p.Val294Cysfs*95). While this is not anticipated to result in nonsense mediated decay, it is expected to disrupt the last 93 amino acid(s) of the TIA1 protein and extend the protein by 1 additional amino acid residues. This variant is not present in population databases (gnomAD no frequency). This variant has not been reported in the literature in individuals affected with TIA1-related conditions. ClinVar contains an entry for this variant (Variation ID: 2437089). Experimental studies and prediction algorithms are not available or were not evaluated, and the functional significance of this variant is currently unknown. In summary, the available evidence is currently insufficient to determine the role of this variant in disease. Therefore, it has been classified as a Variant of Uncertain Significance.

Revvity Omics, Revvity
Classification: Uncertain significance. Last evaluated: 2020-02-21. Review status: criteria provided, single submitter. Criteria: ACMG Guidelines, 2015. Collection method: clinical testing. Allele origin: germline.